The following is an entry in ClinVar:

NM_002972.4(SBF1):c.4623T>G (p.His1541Gln)

Gene: SBF1 (SET binding factor 1; minus strand). Cytogenetic location: 22q13.33.
Variant type: single nucleotide variant.
Coding change: c.4623T>G on transcript NM_002972.4 (MANE Select); coding-DNA position 4623, T replaced by G.
Protein change: p.His1541Gln; replaces histidine 1541 with glutamine.
Molecular consequence: missense variant.
Genome position (GRCh38, 1-based): chr22:50,455,074, A>C on the plus strand (T>G on the coding strand, the complement: SBF1 is on the minus strand). VCF-style: chr22-50455074-A-C. GRCh37 (hg19) VCF-style: chr22-50893503-A-C.
Other names: c.4548T>G, p.His1516Gln (NM_001365819.1); c.4626T>G, p.His1542Gln (NM_001410794.1); c.4545T>G, p.His1515Gln (NM_001410795.1); c.4623T>G, p.His1541Gln (NM_197971.1); short protein forms H1515Q, H1516Q, H1542Q, H1541Q.
Identifiers: ClinVar variation 1902366 (VCV001902366.5), dbSNP rs755292355, ClinGen allele CA10316189.

ClinVar aggregate classification (germline): Uncertain significance (1 of 4 stars; one submission).

gnomAD v4.1: 9 of 1,613,970 alleles (0.00056%); highest among the groups gnomAD compares: Admixed American, 0.005%; no homozygotes.

Submission:

Labcorp Genetics (formerly Invitae), Labcorp
Classification: Uncertain significance. Last evaluated: 2022-04-03. Review status: criteria provided, single submitter. Criteria: Invitae Variant Classification Sherloc (09022015). Collection method: clinical testing. Allele origin: germline.
Comment: In summary, the available evidence is currently insufficient to determine the role of this variant in disease. Therefore, it has been classified as a Variant of Uncertain Significance. Algorithms developed to predict the effect of sequence changes on RNA splicing suggest that this variant may create or strengthen a splice site. Algorithms developed to predict the effect of missense changes on protein structure and function (SIFT, PolyPhen-2, Align-GVGD) all suggest that this variant is likely to be tolerated. This variant has not been reported in the literature in individuals affected with SBF1-related conditions. This variant is present in population databases (rs755292355, gnomAD 0.009%). This sequence change replaces histidine, which is basic and polar, with glutamine, which is neutral and polar, at codon 1541 of the SBF1 protein (p.His1541Gln).